The following is an entry in ClinVar:

ClinVar aggregate classification (germline): Uncertain significance (1 of 4 stars; one submission).

Allele frequency attached by ClinVar (database versions not stated): gnomAD exomes below 0.00001.
gnomAD v4.1: 1 of 1,613,158 alleles (0.000062%); highest among the groups gnomAD compares: Non-Finnish European, 0.000085%; no homozygotes.

Submission:

Labcorp Genetics (formerly Invitae), Labcorp
Classification: Uncertain significance. Last evaluated: 2022-05-08. Review status: criteria provided, single submitter. Criteria: Invitae Variant Classification Sherloc (09022015). Collection method: clinical testing. Allele origin: germline.
Comment: This variant has not been reported in the literature in individuals affected with CDH3-related conditions. This variant is not present in population databases (gnomAD no frequency). This sequence change replaces glutamine, which is neutral and polar, with arginine, which is basic and polar, at codon 15 of the CDH3 protein (p.Gln15Arg). Algorithms developed to predict the effect of missense changes on protein structure and function are either unavailable or do not agree on the potential impact of this missense change (SIFT: "Not Available"; PolyPhen-2: "Probably Damaging"; Align-GVGD: "Not Available"). In summary, the available evidence is currently insufficient to determine the role of this variant in disease. Therefore, it has been classified as a Variant of Uncertain Significance. Algorithms developed to predict the effect of sequence changes on RNA splicing suggest that this variant may disrupt the consensus splice site.

NM_001793.6(CDH3):c.44A>G (p.Gln15Arg)

Genes: CDH3 (cadherin 3; plus strand), CDH3-AS1 (CDH3 antisense RNA 1; minus strand). Cytogenetic location: 16q22.1.
Variant type: single nucleotide variant.
Coding change: c.44A>G on transcript NM_001793.6 (MANE Select); coding-DNA position 44, A replaced by G.
Protein change: p.Gln15Arg; replaces glutamine 15 with arginine.
Molecular consequence: missense variant. On other transcripts: 5 prime UTR variant (1).
Genome position (GRCh38, 1-based): chr16:68,645,423, A>G. VCF-style: chr16-68645423-A-G. GRCh37 (hg19) VCF-style: chr16-68679326-A-G.
Other names: c.44A>G, p.Gln15Arg (NM_001317195.3); c.-7A>G (NM_001317196.2); short protein forms Q15R.
Identifiers: ClinVar variation 2135709 (VCV002135709.4), dbSNP rs2543670610, ClinGen allele CA396455135.